The following is an entry in ClinVar:

NM_001243279.3(ACSF3):c.1240-1G>C

Gene: ACSF3 (acyl-CoA synthetase family member 3; plus strand). Cytogenetic location: 16q24.3.
Variant type: single nucleotide variant.
Coding change: c.1240-1G>C on transcript NM_001243279.3 (MANE Select); the canonical splice acceptor site of the intron before coding-DNA position 1240, G replaced by C.
Molecular consequence: splice acceptor variant.
Genome position (GRCh38, 1-based): chr16:89,133,135, G>C. VCF-style: chr16-89133135-G-C. GRCh37 (hg19) VCF-style: chr16-89199543-G-C.
Other names: c.1240-1G>C (NM_001127214.4, NM_174917.5); c.445-1G>C (NM_001284316.2).
Identifiers: ClinVar variation 1996651 (VCV001996651.4), dbSNP rs1203702127, ClinGen allele CA397145162.

ClinVar aggregate classification (germline): Likely pathogenic (1 of 4 stars; one submission).

Conditions:
Combined malonic and methylmalonic acidemia. Identifiers: Orphanet 289504, MedGen C3280314, MONDO:0013661, OMIM 614265.

Allele frequency attached by ClinVar (database versions not stated): gnomAD exomes below 0.00001.
gnomAD v4.1: 1 of 1,613,734 alleles (0.000062%); highest among the groups gnomAD compares: East Asian, 0.0022%; no homozygotes.

Submission:

Labcorp Genetics (formerly Invitae), Labcorp
Classification: Likely pathogenic for Combined malonic and methylmalonic acidemia. Last evaluated: 2022-05-20. Review status: criteria provided, single submitter. Criteria: Invitae Variant Classification Sherloc (09022015). Collection method: clinical testing. Allele origin: germline.
Comment: In summary, the currently available evidence indicates that the variant is pathogenic, but additional data are needed to prove that conclusively. Therefore, this variant has been classified as Likely Pathogenic. Algorithms developed to predict the effect of sequence changes on RNA splicing suggest that this variant may disrupt the consensus splice site. This variant has not been reported in the literature in individuals affected with ACSF3-related conditions. This variant is present in population databases (no rsID available, gnomAD 0.006%). This sequence change affects an acceptor splice site in intron 7 of the ACSF3 gene. It is expected to disrupt RNA splicing. Variants that disrupt the donor or acceptor splice site typically lead to a loss of protein function (PMID: 16199547), and loss-of-function variants in ACSF3 are known to be pathogenic (PMID: 21841779, 26827111).

Literature cited by the submitters: PubMed 16199547; PubMed 21841779; PubMed 26827111.